The following is an entry in ClinVar:

ClinVar aggregate classification (germline): Pathogenic (1 of 4 stars; one submission).

Submission:

Labcorp Genetics (formerly Invitae), Labcorp
Classification: Pathogenic. Last evaluated: 2022-03-26. Review status: criteria provided, single submitter. Criteria: Invitae Variant Classification Sherloc (09022015). Collection method: clinical testing. Allele origin: germline.
Comment: For these reasons, this variant has been classified as Pathogenic. This variant has not been reported in the literature in individuals affected with SETBP1-related conditions. This variant is not present in population databases (gnomAD no frequency). This sequence change creates a premature translational stop signal (p.Asp138Profs*10) in the SETBP1 gene. It is expected to result in an absent or disrupted protein product. Loss-of-function variants in SETBP1 are known to be pathogenic (PMID: 21037274, 25217958).

Literature cited by the submitters: PubMed 21037274; PubMed 25217958.

NM_015559.3(SETBP1):c.408_409del (p.Asp138fs)

Gene: SETBP1 (SET binding protein 1; plus strand). Cytogenetic location: 18q12.3.
Variant type: Deletion.
Coding change: c.408_409del on transcript NM_015559.3 (MANE Select); coding-DNA positions 408 to 409, 2 bases deleted (TG; older notation c.408_409delTG).
Protein change: p.Asp138fs; shifts the reading frame from aspartic acid 138.
Molecular consequence: frameshift variant.
Genome position (GRCh38, 1-based): chr18:44,701,754-44,701,755, TG deleted. VCF-style (leftmost placement, unchanged base first): chr18-44701753-CTG-C. GRCh37 (hg19) VCF-style: chr18-42281718-CTG-C.
Other names: c.408_409del, p.Asp138fs (NM_001130110.2, NM_001379141.1, NM_001379142.1); c.408_409delTG, p.Asp138Profs (NM_001410862.1); short protein forms D138fs.
Identifiers: ClinVar variation 2117731 (VCV002117731.4), dbSNP rs2511333961, ClinGen allele CA2580095696.